The following is an entry in ClinVar:

NM_000051.4(ATM):c.8768T>A (p.Val2923Asp)

Genes: ATM (ATM serine/threonine kinase; plus strand), C11orf65 (chromosome 11 open reading frame 65; minus strand). Cytogenetic location: 11q22.3.
Variant type: single nucleotide variant.
Coding change: c.8768T>A on transcript NM_000051.4 (MANE Select); coding-DNA position 8768, T replaced by A.
Protein change: p.Val2923Asp; replaces valine 2923 with aspartic acid.
Molecular consequence: missense variant. On other transcripts: intron variant (2).
Genome position (GRCh38, 1-based): chr11:108,353,862, T>A. VCF-style: chr11-108353862-T-A. GRCh37 (hg19) VCF-style: chr11-108224589-T-A.
Other names: c.8768T>A, p.Val2923Asp (NM_001351834.2); c.640+32058A>T (NM_001330368.2); c.695-18570A>T (NM_001351110.2); short protein forms V2923D.
Identifiers: ClinVar variation 186575 (VCV000186575.7), dbSNP rs786203055, ClinGen allele CA195211.
Genomic context (GRCh38, chr11:108,353,862, plus strand): 5'-CTGAGACAGTTCCTTTTAGACTCACCAGAGATATTGTGGATGGCATGGGCATTACGGGTG[T>A]TGAAGGTGTCTTCAGAAGGTAAGTGATATGAAGTAAAGGAGGGAAATAATTTTTGATGTC-3'
Protein context (NP_000042.3, residues 2913-2933): DIVDGMGITG[Val2923Asp]EGVFRRCCEK

ClinVar aggregate classification (germline): Uncertain significance (1 of 4 stars; one submission).

Conditions:
Hereditary cancer-predisposing syndrome. Also called: Hereditary Cancer Syndrome; Tumor predisposition; Neoplastic Syndromes, Hereditary; Hereditary neoplastic syndrome. Identifiers: Orphanet 140162, MedGen C0027672, MeSH D009386, MONDO:0015356.

Allele frequency attached by ClinVar (database versions not stated): gnomAD exomes below 0.00001.
gnomAD v4.1: 3 of 1,613,438 alleles (0.00019%); highest among the groups gnomAD compares: Non-Finnish European, 0.00025%; no homozygotes.

Submission:

Ambry Genetics
Classification: Uncertain significance for Hereditary cancer-predisposing syndrome. Last evaluated: 2023-08-08. Review status: criteria provided, single submitter. Criteria: Ambry Variant Classification Scheme 2023. Collection method: clinical testing. Allele origin: germline.
Comment: The p.V2923D variant (also known as c.8768T>A), located in coding exon 59 of the ATM gene, results from a T to A substitution at nucleotide position 8768. The valine at codon 2923 is replaced by aspartic acid, an amino acid with highly dissimilar properties. This amino acid position is highly conserved in available vertebrate species. In addition, this alteration is predicted to be deleterious by in silico analysis. Since supporting evidence is limited at this time, the clinical significance of this alteration remains unclear.